The following is an entry in ClinVar:

NM_006031.6(PCNT):c.9279G>A (p.Ser3093=)

Gene: PCNT (pericentrin; plus strand). Cytogenetic location: 21q22.3.
Variant type: single nucleotide variant.
Coding change: c.9279G>A on transcript NM_006031.6 (MANE Select); coding-DNA position 9279, G replaced by A.
Protein change: p.Ser3093=; no amino-acid change (serine 3093 retained).
Molecular consequence: synonymous variant.
Genome position (GRCh38, 1-based): chr21:46,440,088, G>A. VCF-style: chr21-46440088-G-A. GRCh37 (hg19) VCF-style: chr21-47860001-G-A.
Other names: c.8688G>A, p.Ser2896= (NM_001315529.2).
Identifiers: ClinVar variation 899003 (VCV000899003.13), dbSNP rs199596313, ClinGen allele CA10081276.

ClinVar aggregate classification (germline): Benign/Likely benign. Review status: criteria provided, multiple submitters, no conflicts (2 of 4 stars). 6 submissions from 6 submitters: Benign (1); Likely benign (4). 1 of the submissions does not count toward it. Last evaluated 2025-02-16.

Conditions:
Microcephalic osteodysplastic primordial dwarfism type II (MOPD2). Also called: Microcephalic osteodysplastic primordial dwarfism with tooth abnormalities; MOPD II; OSTEODYSPLASTIC PRIMORDIAL DWARFISM, TYPE II. Identifiers: Orphanet 2637, MedGen C0432246, MONDO:0008872, OMIM 210720.
PCNT-related disorder. Also called: PCNT-related condition.
Inborn genetic diseases. Identifiers: MedGen C0950123, MeSH D030342.

Allele frequency attached by ClinVar (database versions not stated): gnomAD 0.00006 and 0.00009; TOPMed 0.00007; 1000 Genomes Project 30x 0.00016; 1000 Genomes Project 0.00020; gnomAD exomes 0.00023 and 0.00028; ExAC 0.00032.
gnomAD v4.1: 411 of 1,614,038 alleles (0.025%); highest among the groups gnomAD compares: East Asian, 0.82%; 2 homozygotes.

Submissions (6):

Laboratory of Genetics, Children's Clinical University Hospital Latvia
Classification: Likely benign. Last evaluated: 2025-02-16. Review status: criteria provided, single submitter. Criteria: ACMG Guidelines, 2015. Collection method: clinical testing. Allele origin: germline. Affected: yes.

Blueprint Genetics
Classification: Likely benign. Last evaluated: 2024-11-12. Review status: criteria provided, single submitter. Criteria: ACMG Guidelines, 2015. Collection method: clinical testing. Allele origin: germline.

Ambry Genetics
Classification: Likely benign for Inborn genetic diseases. Last evaluated: 2024-03-16. Review status: criteria provided, single submitter. Criteria: Ambry Variant Classification Scheme 2023. Collection method: clinical testing. Allele origin: germline.

Labcorp Genetics (formerly Invitae), Labcorp
Classification: Benign. Last evaluated: 2024-02-16. Review status: criteria provided, single submitter. Criteria: Invitae Variant Classification Sherloc (09022015). Collection method: clinical testing. Allele origin: germline.

Illumina Laboratory Services, Illumina
Classification: Likely benign for Microcephalic osteodysplastic primordial dwarfism type II. Last evaluated: 2018-01-12. Review status: criteria provided, single submitter. Criteria: ICSL Variant Classification Criteria 13 December 2019. Collection method: clinical testing. Allele origin: germline.
Comment: This variant was observed in the ICSL laboratory as part of a predisposition screen in an ostensibly healthy population. It had not been previously curated by ICSL or reported in the Human Gene Mutation Database (HGMD: prior to June 1st, 2018), and was therefore a candidate for classification through an automated scoring system. Utilizing variant allele frequency, disease prevalence and penetrance estimates, and inheritance mode, an automated score was calculated to assess if this variant is too frequent to cause the disease. Based on the score and internal cut-off values, a variant classified as likely benign is not then subjected to further curation. The score for this variant resulted in a classification of likely benign for this disease.

PreventionGenetics, part of Exact Sciences
Classification: Likely benign for PCNT-related condition. Last evaluated: 2022-02-24. Review status: no assertion criteria provided. Collection method: clinical testing. Allele origin: germline. Not counted in ClinVar's aggregate classification.
Comment: This variant is classified as likely benign based on ACMG/AMP sequence variant interpretation guidelines (Richards et al. 2015 PMID: 25741868, with internal and published modifications).